The following is an entry in ClinVar:

ClinVar aggregate classification (germline): Pathogenic (1 of 4 stars; one submission).

Allele frequency attached by ClinVar (database versions not stated): gnomAD exomes below 0.00001.
gnomAD v4.1: 1 of 1,612,998 alleles (0.000062%); highest among the groups gnomAD compares: Middle Eastern, 0.016%; no homozygotes.

Submission:

Labcorp Genetics (formerly Invitae), Labcorp
Classification: Pathogenic. Last evaluated: 2022-12-03. Review status: criteria provided, single submitter. Criteria: Invitae Variant Classification Sherloc (09022015). Collection method: clinical testing. Allele origin: germline.
Comment: For these reasons, this variant has been classified as Pathogenic. This sequence change creates a premature translational stop signal (p.Glu324*) in the C2 gene. It is expected to result in an absent or disrupted protein product. Loss-of-function variants in C2 are known to be pathogenic (PMID: 1577763, 9616367). This variant is not present in population databases (gnomAD no frequency). This variant has not been reported in the literature in individuals affected with C2-related conditions. Algorithms developed to predict the effect of sequence changes on RNA splicing suggest that this variant may create or strengthen a splice site.

Literature cited by the submitters: PubMed 1577763; PubMed 9616367.

NM_000063.6(C2):c.970G>T (p.Glu324Ter)

Genes: C2 (complement C2; plus strand), C2-AS1 (C2 antisense RNA 1; minus strand). Cytogenetic location: 6p21.33.
Variant type: single nucleotide variant.
Coding change: c.970G>T on transcript NM_000063.6 (MANE Select); coding-DNA position 970, G replaced by T.
Protein change: p.Glu324Ter; replaces glutamic acid 324 with a stop codon.
Molecular consequence: nonsense. On other transcripts: intron variant (1).
Genome position (GRCh38, 1-based): chr6:31,936,043, G>T. VCF-style: chr6-31936043-G-T. GRCh37 (hg19) VCF-style: chr6-31903820-G-T.
Other names: c.574G>T, p.Glu192Ter (NM_001145903.3); c.232G>T, p.Glu78Ter (NM_001282457.2); c.883G>T, p.Glu295Ter (NM_001282458.2); c.347-1276G>T (NM_001178063.3); short protein forms E324*, E192*, E295*, E78*.
Identifiers: ClinVar variation 2818188 (VCV002818188.3), dbSNP rs2482548816, ClinGen allele CA363370284.